The following is an entry in ClinVar:

ClinVar aggregate classification (germline): Uncertain significance (0 of 4 stars; one submission).

Conditions:
BBS10-related disorder. Also called: BBS10-related condition.

gnomAD v4.1: 10 of 1,613,718 alleles (0.00062%); highest among the groups gnomAD compares: South Asian, 0.0099%; no homozygotes.

Submission:

PreventionGenetics, part of Exact Sciences
Classification: Uncertain significance for BBS10-related condition. Last evaluated: 2024-06-13. Review status: no assertion criteria provided. Collection method: clinical testing. Allele origin: germline.
Comment: The BBS10 c.544G>A variant is predicted to result in the amino acid substitution p.Val182Met. To our knowledge, this variant has not been reported in the literature. This variant is reported in 0.0033% of alleles in individuals of South Asian descent in gnomAD. At this time, the clinical significance of this variant is uncertain due to the absence of conclusive functional and genetic evidence.

NM_024685.4(BBS10):c.544G>A (p.Val182Met)

Gene: BBS10 (Bardet-Biedl syndrome 10; minus strand). Cytogenetic location: 12q21.2.
Variant type: single nucleotide variant.
Coding change: c.544G>A on transcript NM_024685.4 (MANE Select); coding-DNA position 544, G replaced by A.
Protein change: p.Val182Met; replaces valine 182 with methionine.
Molecular consequence: missense variant.
Genome position (GRCh38, 1-based): chr12:76,347,441, C>T on the plus strand (G>A on the coding strand, the complement: BBS10 is on the minus strand). VCF-style: chr12-76347441-C-T. GRCh37 (hg19) VCF-style: chr12-76741221-C-T.
Other names: short protein forms V182M.
Identifiers: ClinVar variation 3355261 (VCV003355261.1).